The following is an entry in ClinVar:

NM_001282531.3(ADNP):c.2669G>A (p.Gly890Asp)

Gene: ADNP (activity dependent neuroprotector homeobox; minus strand). Cytogenetic location: 20q13.13.
Variant type: single nucleotide variant.
Coding change: c.2669G>A on transcript NM_001282531.3 (MANE Select); coding-DNA position 2669, G replaced by A.
Protein change: p.Gly890Asp; replaces glycine 890 with aspartic acid.
Molecular consequence: missense variant.
Genome position (GRCh38, 1-based): chr20:50,892,045, C>T on the plus strand (G>A on the coding strand, the complement: ADNP is on the minus strand). VCF-style: chr20-50892045-C-T. GRCh37 (hg19) VCF-style: chr20-49508582-C-T.
Other names: c.2669G>A, p.Gly890Asp (NM_015339.5, NM_181442.4, NM_001282532.2 and 1 more transcripts); short protein forms G890D.
Identifiers: ClinVar variation 1304829 (VCV001304829.5), dbSNP rs778969303, ClinGen allele CA408968337.
Genomic context (GRCh38, chr20:50,892,045, plus strand): 5'-TCCTCTGGGTTATCGTTAGAGATTTTAGGTTCAACTTCAAAAACAGGGTCAAAAGGGCTA[C>T]CACTTTCATTGGATTCTTCTTCCAAATTTTCAAAACTGTCTGAGGAACTGTCATCTTCCT-3'
Protein context (NP_001269460.1, residues 880-900): ENLEEESNES[Gly890Asp]SPFDPVFEVE

ClinVar aggregate classification (germline): Conflicting classifications of pathogenicity. Review status: criteria provided, conflicting classifications (1 of 4 stars). 2 submissions from 2 submitters: Uncertain significance (1); Benign (1). Last evaluated 2026-01-12.

gnomAD v4.1: 2 of 1,614,174 alleles (0.00012%); highest among the groups gnomAD compares: Non-Finnish European, 0.00017%; no homozygotes.

Submissions (2):

Labcorp Genetics (formerly Invitae), Labcorp
Classification: Benign. Last evaluated: 2026-01-12. Review status: criteria provided, single submitter. Criteria: Invitae Variant Classification Sherloc (09022015). Collection method: clinical testing. Allele origin: germline.

GeneDx
Classification: Uncertain significance. Last evaluated: 2019-08-01. Review status: criteria provided, single submitter. Criteria: GeneDx Variant Classification Process June 2021. Collection method: clinical testing. Allele origin: germline. Affected: yes.
Comment: Not observed in large population cohorts (Lek et al., 2016); In silico analysis, which includes protein predictors and evolutionary conservation, supports that this variant does not alter protein structure/function; Has not been previously published as pathogenic or benign to our knowledge